The following is an entry in ClinVar:

NM_138694.4(PKHD1):c.6125del (p.Ser2042fs)

Gene: PKHD1 (PKHD1 ciliary IPT domain containing fibrocystin/polyductin; minus strand). Cytogenetic location: 6p12.2.
Variant type: Deletion.
Coding change: c.6125del on transcript NM_138694.4 (MANE Select); coding-DNA position 6125, one base deleted (C; older notation c.6125delC).
Protein change: p.Ser2042fs; shifts the reading frame from serine 2042.
Molecular consequence: frameshift variant.
Genome position (GRCh38, 1-based): chr6:51,912,573, G deleted on the plus strand (C on the coding strand, the reverse complement: PKHD1 is on the minus strand). VCF-style (leftmost placement, unchanged base first): chr6-51912572-TG-T. GRCh37 (hg19) VCF-style: chr6-51777370-TG-T.
Other names: c.6125del, p.Ser2042fs (NM_170724.3); short protein forms S2042fs.
Identifiers: ClinVar variation 1726286 (VCV001726286.2), dbSNP rs2536685226, ClinGen allele CA2580075506.

ClinVar aggregate classification (germline): Likely pathogenic (1 of 4 stars; one submission).

Conditions:
Polycystic kidney disease 4 (PKD4). Also called: POLYCYSTIC KIDNEY AND HEPATIC DISEASE 1; POLYCYSTIC KIDNEY DISEASE, INFANTILE, TYPE I; POLYCYSTIC KIDNEY DISEASE 4 WITH OR WITHOUT POLYCYSTIC LIVER DISEASE; PKD3; Autosomal Recessive Polycystic Kidney Disease – PKHD1. Identifiers: MedGen C4540575, MONDO:0033004, OMIM 263200.

Submission:

Myriad Genetics, Inc.
Classification: Likely pathogenic for Polycystic kidney disease 4. Last evaluated: 2021-12-10. Review status: criteria provided, single submitter. Criteria: Myriad Women's Health Autosomal Recessive and X-Linked Classification Criteria (2021). Collection method: clinical testing. Allele origin: unknown.
Comment: NM_138694.3(PKHD1):c.6125delC(S2042Yfs*5) is expected to be pathogenic in the context of autosomal recessive polycystic kidney disease, PKHD1-related. This variant is predicted to lead to an abnormal or absent protein product due to the creation of a premature termination codon in PKHD1, a gene where loss-of-function variants are known to be pathogenic. Please note: this variant was assessed in the context of healthy population screening.